The following is an entry in ClinVar:

ClinVar aggregate classification (germline): Uncertain significance (1 of 4 stars; one submission).

Allele frequency attached by ClinVar (database versions not stated): gnomAD 0.00001; gnomAD exomes 0.00001; TOPMed 0.00001.
gnomAD v4.1: 9 of 1,610,902 alleles (0.00056%); highest among the groups gnomAD compares: Non-Finnish European, 0.00076%; no homozygotes.

Submission:

Labcorp Genetics (formerly Invitae), Labcorp
Classification: Uncertain significance. Last evaluated: 2022-10-09. Review status: criteria provided, single submitter. Criteria: Invitae Variant Classification Sherloc (09022015). Collection method: clinical testing. Allele origin: germline.
Comment: In summary, the available evidence is currently insufficient to determine the role of this variant in disease. Therefore, it has been classified as a Variant of Uncertain Significance. Algorithms developed to predict the effect of missense changes on protein structure and function are either unavailable or do not agree on the potential impact of this missense change (SIFT: "Tolerated"; PolyPhen-2: "Possibly Damaging"; Align-GVGD: "Class C0"). This variant has not been reported in the literature in individuals affected with ZNF341-related conditions. The frequency data for this variant in the population databases is considered unreliable, as metrics indicate poor data quality at this position in the gnomAD database. This sequence change replaces asparagine, which is neutral and polar, with aspartic acid, which is acidic and polar, at codon 820 of the ZNF341 protein (p.Asn820Asp).

NM_001282933.2(ZNF341):c.2479A>G (p.Asn827Asp)

Genes: ZNF341 (zinc finger protein 341; plus strand), ZNF341-AS1 (ZNF341 antisense RNA 1; minus strand). Cytogenetic location: 20q11.22.
Variant type: single nucleotide variant.
Coding change: c.2479A>G on transcript NM_001282933.2 (MANE Select); coding-DNA position 2479, A replaced by G.
Protein change: p.Asn827Asp; replaces asparagine 827 with aspartic acid.
Molecular consequence: missense variant. On other transcripts: non-coding transcript variant (1).
Genome position (GRCh38, 1-based): chr20:33,791,431, A>G. VCF-style: chr20-33791431-A-G. GRCh37 (hg19) VCF-style: chr20-32379237-A-G.
Other names: c.2209A>G, p.Asn737Asp (NM_001282935.2); c.2458A>G, p.Asn820Asp (NM_032819.5); short protein forms N737D, N820D, N827D.
Identifiers: ClinVar variation 1925799 (VCV001925799.5), dbSNP rs1197259334, ClinGen allele CA408642864.